The following is an entry in ClinVar:

ClinVar aggregate classification (germline): Pathogenic. Review status: reviewed by expert panel (3 of 4 stars). 7 submissions from 7 submitters: Pathogenic (1). 6 of the submissions do not count toward it. Last evaluated 2016-09-08.

Conditions:
Hereditary breast ovarian cancer syndrome. Also called: Hereditary breast and ovarian cancer syndrome; Hereditary breast and ovarian cancer; Hereditary breast and ovarian cancer syndrome (HBOC); Breast and ovarian cancer; Hereditary breast and/or ovarian cancer syndrome; BRCA1- and BRCA2-Associated Hereditary Breast and Ovarian Cancer. Identifiers: Orphanet 145, MedGen C0677776, MeSH D061325, MONDO:0003582. Disease mechanism: loss of function.
Hereditary cancer-predisposing syndrome. Also called: Neoplastic Syndromes, Hereditary; Tumor predisposition; Hereditary neoplastic syndrome; Hereditary Cancer Syndrome. Identifiers: Orphanet 140162, MedGen C0027672, MeSH D009386, MONDO:0015356.
Breast-ovarian cancer, familial, susceptibility to, 2 (BROVCA2). Also called: BRCA2 Hereditary Breast and Ovarian Cancer. Identifiers: Orphanet 145, MedGen C2675520, MONDO:0012933, OMIM 612555. Disease mechanism: loss of function.

Submissions (7):

Evidence-based Network for the Interpretation of Germline Mutant Alleles (ENIGMA)
Classification: Pathogenic for Breast-ovarian cancer, familial, susceptibility to, 2. Last evaluated: 2016-09-08. Review status: reviewed by expert panel. Criteria: ENIGMA BRCA1/2 Classification Criteria (2015). Collection method: curation. Allele origin: germline.
Comment: Variant allele predicted to encode a truncated non-functional protein.

Ambry Genetics
Classification: Pathogenic for Hereditary cancer-predisposing syndrome. Last evaluated: 2025-08-19. Review status: criteria provided, single submitter. Criteria: Ambry Variant Classification Scheme 2023. Collection method: clinical testing. Allele origin: germline. Not counted in ClinVar's aggregate classification.
Comment: The p.S2414* pathogenic mutation (also known as c.7241C>G), located in coding exon 13 of the BRCA2 gene, results from a C to G substitution at nucleotide position 7241. This changes the amino acid from a serine to a stop codon within coding exon 13. This variant is considered to be rare based on population cohorts in the Genome Aggregation Database (gnomAD). This alteration is expected to result in loss of function by premature protein truncation or nonsense-mediated mRNA decay. As such, this alteration is interpreted as a disease-causing mutation.

Labcorp Genetics (formerly Invitae), Labcorp
Classification: Pathogenic for Hereditary breast ovarian cancer syndrome. Last evaluated: 2025-01-14. Review status: criteria provided, single submitter. Criteria: Invitae Variant Classification Sherloc (09022015). Collection method: clinical testing. Allele origin: germline. Not counted in ClinVar's aggregate classification.
Comment: This sequence change creates a premature translational stop signal (p.Ser2414*) in the BRCA2 gene. It is expected to result in an absent or disrupted protein product. Loss-of-function variants in BRCA2 are known to be pathogenic (PMID: 20104584). This variant is not present in population databases (gnomAD no frequency). This premature translational stop signal has been observed in individual(s) with BRCA2-related conditions (PMID: 10923033). ClinVar contains an entry for this variant (Variation ID: 52296). For these reasons, this variant has been classified as Pathogenic.

GeneDx
Classification: Pathogenic. Last evaluated: 2018-07-06. Review status: criteria provided, single submitter. Criteria: GeneDx Variant Classification (06012015). Collection method: clinical testing. Allele origin: germline. Affected: yes. Not counted in ClinVar's aggregate classification.
Comment: This variant is denoted BRCA2 c.7241C>G at the cDNA level and p.Ser2414Ter (S2414X) at the protein level. Using alternate nomenclature, this variant would be defined as BRCA2 7469C>G. The substitution creates a nonsense variant, which changes a Serine to a premature stop codon (TCA>TGA), and is predicted to cause loss of normal protein function through either protein truncation or nonsense-mediated mRNA decay. Although this variant has not, to our knowledge, been reported in the literature, it is considered pathogenic.

Quest Diagnostics Nichols Institute San Juan Capistrano
Classification: Pathogenic. Last evaluated: 2018-04-20. Review status: criteria provided, single submitter. Criteria: Quest Diagnostics criteria. Collection method: clinical testing. Allele origin: germline. Not counted in ClinVar's aggregate classification.

Counsyl
Classification: Likely pathogenic for Breast-ovarian cancer, familial, susceptibility to, 2. Last evaluated: 2017-09-12. Review status: no assertion criteria provided. Collection method: clinical testing. Allele origin: unknown. Not counted in ClinVar's aggregate classification.

Breast Cancer Information Core (BIC) (BRCA2)
Classification: Pathogenic for Breast-ovarian cancer, familial 2. Last evaluated: 2014-01-07. Review status: no assertion criteria provided. Collection method: clinical testing. Allele origin: germline. Affected: yes. Observed: 2 variant alleles. Not counted in ClinVar's aggregate classification.

Literature cited by the submitters: PubMed 20104584 (cited by Labcorp Genetics (formerly Invitae), Labcorp); PubMed 10923033 (cited by Labcorp Genetics (formerly Invitae), Labcorp).

NM_000059.4(BRCA2):c.7241C>G (p.Ser2414Ter)

Gene: BRCA2 (BRCA2 DNA repair associated; plus strand). Cytogenetic location: 13q13.1.
Variant type: single nucleotide variant.
Coding change: c.7241C>G on transcript NM_000059.4 (MANE Select); coding-DNA position 7241, C replaced by G.
Protein change: p.Ser2414Ter; replaces serine 2414 with a stop codon.
Molecular consequence: nonsense.
Genome position (GRCh38, 1-based): chr13:32,355,094, C>G. VCF-style: chr13-32355094-C-G. GRCh37 (hg19) VCF-style: chr13-32929231-C-G.
Other names: short protein forms S2414*.
Identifiers: ClinVar variation 52296 (VCV000052296.19), dbSNP rs80358951, ClinGen allele CA024987.